The following is an entry in ClinVar:

GRCh37/hg19 16p13.3(chr16:6306086-6618137)x1

Gene: RBFOX1 (RNA binding fox-1 homolog 1; plus strand). Cytogenetic location: 16p13.3.
Variant type: copy number loss.
Change: copy number 1 (one copy instead of two) of chr16:6,306,086-6,618,137 (312.1 kb, GRCh37 coordinates, 1-based), cytogenetic band 16p13.3.
Identifiers: ClinVar variation 443218 (VCV000443218.3).

ClinVar aggregate classification (germline): conflicting data from submitters (0 of 4 stars; one submission).

Submission:

ISCA site 1
Classification: conflicting data from submitters. Last evaluated: 2015-08-05. Review status: no assertion criteria provided. Collection method: clinical testing. Allele origin: maternal. Affected: yes. Observed: 2 variant alleles.
Comment: Pathogenic(1), Uncertain significance(1)

Copy number variation identified through the course of routine clinical cytogenomic testing in postnatal populations, with clinical assertions as classified by the original submitter. For data from the original published study, Kaminsky, et al. 2011 (PubMed 21844811), please see nstd101.